The following is an entry in ClinVar:

ClinVar aggregate classification (germline): Uncertain significance (1 of 4 stars; one submission).

Submission:

ISCA site 4
Classification: Uncertain significance. Last evaluated: 2011-08-12. Review status: criteria provided, single submitter. Criteria: Kaminsky et al. (Genet Med. 2011). Collection method: clinical testing. Allele origin: unknown. Affected: yes. Observed: 1 variant allele.
Comment: Copy number variation identified through the course of routine clinical cytogenomic testing in postnatal populations. Clinical assertions have been curated as described in Kaminsky et al. 2011.

GRCh38/hg38 7q21.11(chr7:84084970-84963541)x3

Genes: LINC03017 (long intergenic non-protein coding RNA 3017; plus strand), SEMA3A (semaphorin 3A; minus strand), LOC110121304 (VISTA enhancer hs2328; plus strand), LOC123956174 (Sharpr-MPRA regulatory region 9013; plus strand), LOC126860091 (CDK7 strongly-dependent group 2 enhancer GRCh37_chr7:83880131-83881330; plus strand) and 10 more. Cytogenetic location: 7q21.11.
Variant type: copy number gain.
Change: copy number 3 (three copies instead of two) of chr7:84,084,970-84,963,541 (878.6 kb, GRCh38 coordinates, 1-based), cytogenetic band 7q21.11.
Identifiers: ClinVar variation 57110 (VCV000057110.1).